The following is an entry in ClinVar:

NM_000038.6(APC):c.1901G>A (p.Ser634Asn)

Gene: APC (APC regulator of Wnt signaling pathway; plus strand). Cytogenetic location: 5q22.2.
Variant type: single nucleotide variant.
Coding change: c.1901G>A on transcript NM_000038.6 (MANE Select); coding-DNA position 1901, G replaced by A.
Protein change: p.Ser634Asn; replaces serine 634 with asparagine.
Molecular consequence: missense variant. On other transcripts: non-coding transcript variant (2).
Genome position (GRCh38, 1-based): chr5:112,835,108, G>A. VCF-style: chr5-112835108-G-A. GRCh37 (hg19) VCF-style: chr5-112170805-G-A.
Other names: c.1901G>A, p.Ser634Asn (NM_001127510.3, NM_001354895.2, NM_001407450.1); c.1847G>A, p.Ser616Asn (NM_001127511.3); c.1955G>A, p.Ser652Asn (NM_001354896.2, NM_001407447.1, NM_001407448.1 and 1 more transcripts); c.1931G>A, p.Ser644Asn (NM_001354897.2); c.1826G>A, p.Ser609Asn (NM_001354898.2); c.1817G>A, p.Ser606Asn (NM_001354899.2); c.1778G>A, p.Ser593Asn (NM_001354900.2); c.1724G>A, p.Ser575Asn (NM_001354901.2, NM_001407453.1); and 11 more; short protein forms S474N, S505N, S508N, S551N, S644N, S351N, S543N, S593N.
Identifiers: ClinVar variation 3880994 (VCV003880994.1).

ClinVar aggregate classification (germline): Uncertain significance (1 of 4 stars; one submission).

Conditions:
Hereditary cancer-predisposing syndrome. Also called: Tumor predisposition; Neoplastic Syndromes, Hereditary; Hereditary Cancer Syndrome; Hereditary neoplastic syndrome. Identifiers: Orphanet 140162, MedGen C0027672, MeSH D009386, MONDO:0015356.

Submission:

Ambry Genetics
Classification: Uncertain significance for Hereditary cancer-predisposing syndrome. Last evaluated: 2024-12-12. Review status: criteria provided, single submitter. Criteria: Ambry Variant Classification Scheme 2023. Collection method: clinical testing. Allele origin: germline.
Comment: The p.S634N variant (also known as c.1901G>A), located in coding exon 14 of the APC gene, results from a G to A substitution at nucleotide position 1901. The serine at codon 634 is replaced by asparagine, an amino acid with highly similar properties. This amino acid position is highly conserved in available vertebrate species. Missense alterations in APC are not a common cause of disease (Spier I et al. Genet Med. 2024 Feb;26(2):100992). In addition, in silico predictors for this gene do not accurately predict pathogenicity. Based on the available evidence, the clinical significance of this variant remains unclear.